The following is an entry in ClinVar:

ClinVar aggregate classification (germline): Uncertain significance. Review status: criteria provided, single submitter (1 of 4 stars). 2 submissions from 2 submitters: Uncertain significance (1). 1 of the submissions does not count toward it. Last evaluated 2023-09-13.

Conditions:
Inborn genetic diseases. Identifiers: MedGen C0950123, MeSH D030342.
PKD1L1-related disorder. Also called: PKD1L1-related condition.

Allele frequency attached by ClinVar (database versions not stated): gnomAD 0.00001; TOPMed 0.00006; ExAC 0.00015.
gnomAD v4.1: 36 of 1,614,136 alleles (0.0022%); highest among the groups gnomAD compares: East Asian, 0.073%; no homozygotes.

Submissions (2):

Ambry Genetics
Classification: Uncertain significance for Inborn genetic diseases. Last evaluated: 2023-09-13. Review status: criteria provided, single submitter. Criteria: Ambry Variant Classification Scheme 2023. Collection method: clinical testing. Allele origin: germline.

PreventionGenetics, part of Exact Sciences
Classification: Likely benign for PKD1L1-related condition. Last evaluated: 2023-08-21. Review status: no assertion criteria provided. Collection method: clinical testing. Allele origin: germline. Not counted in ClinVar's aggregate classification.
Comment: This variant is classified as likely benign based on ACMG/AMP sequence variant interpretation guidelines (Richards et al. 2015 PMID: 25741868, with internal and published modifications).

NM_138295.5(PKD1L1):c.601G>T (p.Ala201Ser)

Gene: PKD1L1 (polycystin 1 like 1, transient receptor potential channel interacting; minus strand). Cytogenetic location: 7p12.3.
Variant type: single nucleotide variant.
Coding change: c.601G>T on transcript NM_138295.5 (MANE Select); coding-DNA position 601, G replaced by T.
Protein change: p.Ala201Ser; replaces alanine 201 with serine.
Molecular consequence: missense variant.
Genome position (GRCh38, 1-based): chr7:47,931,240, C>A on the plus strand (G>T on the coding strand, the complement: PKD1L1 is on the minus strand). VCF-style: chr7-47931240-C-A. GRCh37 (hg19) VCF-style: chr7-47970837-C-A.
Other names: short protein forms A201S.
Identifiers: ClinVar variation 2592525 (VCV002592525.4), dbSNP rs768443527, ClinGen allele CA4254300.